The following is an entry in ClinVar:

NM_021942.6(TRAPPC11):c.3145T>C (p.Ser1049Pro)

Gene: TRAPPC11 (trafficking protein particle complex subunit 11; plus strand). Cytogenetic location: 4q35.1.
Variant type: single nucleotide variant.
Coding change: c.3145T>C on transcript NM_021942.6 (MANE Select); coding-DNA position 3145, T replaced by C.
Protein change: p.Ser1049Pro; replaces serine 1049 with proline.
Molecular consequence: missense variant.
Genome position (GRCh38, 1-based): chr4:183,706,896, T>C. VCF-style: chr4-183706896-T-C. GRCh37 (hg19) VCF-style: chr4-184628049-T-C.
Other names: c.3145T>C, p.Ser1049Pro (NM_199053.3); short protein forms S1049P.
Identifiers: ClinVar variation 2815531 (VCV002815531.3), dbSNP rs2476970945, ClinGen allele CA358874768.

ClinVar aggregate classification (germline): Uncertain significance (1 of 4 stars; one submission).

Conditions:
Autosomal recessive limb-girdle muscular dystrophy type R18 (LGMDR18). Also called: MUSCULAR DYSTROPHY, LIMB-GIRDLE, AUTOSOMAL RECESSIVE 18; Limb-girdle muscular dystrophy, type 2S; Autosomal recessive limb-girdle muscular dystrophy type 2S. Identifiers: Orphanet 369840, MedGen C4517996, MONDO:0014144, OMIM 615356.

Submission:

Labcorp Genetics (formerly Invitae), Labcorp
Classification: Uncertain significance for Autosomal recessive limb-girdle muscular dystrophy type R18. Last evaluated: 2023-02-16. Review status: criteria provided, single submitter. Criteria: Invitae Variant Classification Sherloc (09022015). Collection method: clinical testing. Allele origin: germline.
Comment: This sequence change replaces serine, which is neutral and polar, with proline, which is neutral and non-polar, at codon 1049 of the TRAPPC11 protein (p.Ser1049Pro). This variant is not present in population databases (gnomAD no frequency). This variant has not been reported in the literature in individuals affected with TRAPPC11-related conditions. Advanced modeling of protein sequence and biophysical properties (such as structural, functional, and spatial information, amino acid conservation, physicochemical variation, residue mobility, and thermodynamic stability) performed at Invitae indicates that this missense variant is expected to disrupt TRAPPC11 protein function. In summary, the available evidence is currently insufficient to determine the role of this variant in disease. Therefore, it has been classified as a Variant of Uncertain Significance.